The following is an entry in ClinVar:

ClinVar aggregate classification (germline): Uncertain significance (1 of 4 stars; one submission).

Conditions:
Inborn genetic diseases. Identifiers: MedGen C0950123, MeSH D030342.

gnomAD v4.1: 1 of 1,607,766 alleles (0.000062%); highest among the groups gnomAD compares: Admixed American, 0.0017%; no homozygotes.

Submission:

Ambry Genetics
Classification: Uncertain significance for Inborn genetic diseases. Last evaluated: 2024-11-24. Review status: criteria provided, single submitter. Criteria: Ambry Variant Classification Scheme 2023. Collection method: clinical testing. Allele origin: germline.
Comment: The p.S541G variant (also known as c.1621A>G), located in coding exon 14 of the KDM1A gene, results from an A to G substitution at nucleotide position 1621. The serine at codon 541 is replaced by glycine, an amino acid with similar properties. This amino acid position is conserved. In addition, this alteration is predicted to be tolerated by in silico analysis. Based on the available evidence, the clinical significance of this variant remains unclear.

NM_001009999.3(KDM1A):c.1621A>G (p.Ser541Gly)

Gene: KDM1A (lysine demethylase 1A; plus strand). Cytogenetic location: 1p36.12.
Variant type: single nucleotide variant.
Coding change: c.1621A>G on transcript NM_001009999.3 (MANE Select); coding-DNA position 1621, A replaced by G.
Protein change: p.Ser541Gly; replaces serine 541 with glycine.
Molecular consequence: missense variant.
Genome position (GRCh38, 1-based): chr1:23,072,196, A>G. VCF-style: chr1-23072196-A-G. GRCh37 (hg19) VCF-style: chr1-23398689-A-G.
Other names: c.1549A>G, p.Ser517Gly (NM_001363654.2, NM_001410763.1, NM_015013.4); c.1609A>G, p.Ser537Gly (NM_001410762.1); short protein forms S537G, S517G, S541G.
Identifiers: ClinVar variation 3532932 (VCV003532932.1).
Genomic context (GRCh38, chr1:23,072,196, plus strand): 5'-TTAGCTGAAACACAAGGAAAGCTAGAAGAAAAACTTCAGGAGTTGGAAGCGAATCCCCCA[A>G]GGTAAGGAAAACAAACACAAAAGTTCAGAGGGAGAGCTTTTACTGTTCTTTCAGCTTGAT-3'
Protein context (NP_001009999.1, residues 531-551): KLQELEANPP[Ser541Gly]DVYLSSRDRQ